The following is an entry in ClinVar:

ClinVar aggregate classification (germline): Conflicting classifications of pathogenicity. Review status: criteria provided, conflicting classifications (1 of 4 stars). 3 submissions from 3 submitters: Uncertain significance (2); Likely benign (1). Last evaluated 2026-03-12.

Conditions:
DYNC1H1-related disorder. Also called: DYNC1H1-related condition; DYNC1H1-related disorders. Identifiers: MedGen CN381529.
Inborn genetic diseases. Identifiers: MedGen C0950123, MeSH D030342.
Charcot-Marie-Tooth disease axonal type 2O. Also called: CHARCOT-MARIE-TOOTH NEUROPATHY, AXONAL, TYPE 2O; CHARCOT-MARIE-TOOTH DISEASE, AXONAL, AUTOSOMAL DOMINANT, TYPE 2O; Charcot-Marie-Tooth disease, axonal, type 20; Charcot-Marie-Tooth Neuropathy Type 2O. Identifiers: Orphanet 284232, MedGen C3280220, MONDO:0013644, OMIM 614228.

Allele frequency attached by ClinVar (database versions not stated): TOPMed 0.00002.
gnomAD v4.1: 40 of 1,614,038 alleles (0.0025%); highest among the groups gnomAD compares: Non-Finnish European, 0.0031%; no homozygotes.

Submissions (3):

PreventionGenetics, part of Exact Sciences
Classification: Uncertain significance for DYNC1H1-related condition. Last evaluated: 2026-03-12. Review status: criteria provided, single submitter. Criteria: ACMG Guidelines, 2015. Collection method: clinical testing. Allele origin: germline.
Comment: The DYNC1H1 c.9109G>T variant is predicted to result in the amino acid substitution p.Ala3037Ser. To our knowledge, this variant has not been reported in the literature. This variant is reported in 0.0033% of alleles in individuals of South Asian descent in gnomAD. At this time, the clinical significance of this variant is uncertain due to the absence of conclusive functional and genetic evidence.

Labcorp Genetics (formerly Invitae), Labcorp
Classification: Likely benign for Charcot-Marie-Tooth disease axonal type 2O. Last evaluated: 2025-12-17. Review status: criteria provided, single submitter. Criteria: Invitae Variant Classification Sherloc (09022015). Collection method: clinical testing. Allele origin: germline.

Ambry Genetics
Classification: Uncertain significance for Inborn genetic diseases. Last evaluated: 2025-10-21. Review status: criteria provided, single submitter. Criteria: Ambry Variant Classification Scheme 2023. Collection method: clinical testing. Allele origin: germline.
Comment: The c.9109G>T (p.A3037S) alteration is located in exon 47 (coding exon 47) of the DYNC1H1 gene. This alteration results from a G to T substitution at nucleotide position 9109, causing the alanine (A) at amino acid position 3037 to be replaced by a serine (S). Based on data from gnomAD, the T allele has an overall frequency of 0.001% (2/251288) total alleles studied. The highest observed frequency was 0.003% (1/30614) of South Asian alleles. Based on insufficient or conflicting evidence, the clinical significance of this alteration remains unclear.

NM_001376.5(DYNC1H1):c.9109G>T (p.Ala3037Ser)

Genes: DYNC1H1 (dynein cytoplasmic 1 heavy chain 1; plus strand), LOC126862060 (BRD4-independent group 4 enhancer GRCh37_chr14:102493659-102494858; plus strand). Cytogenetic location: 14q32.31.
Variant type: single nucleotide variant.
Coding change: c.9109G>T on transcript NM_001376.5 (MANE Select); coding-DNA position 9109, G replaced by T.
Protein change: p.Ala3037Ser; replaces alanine 3037 with serine.
Molecular consequence: missense variant.
Genome position (GRCh38, 1-based): chr14:102,027,679, G>T. VCF-style: chr14-102027679-G-T. GRCh37 (hg19) VCF-style: chr14-102494016-G-T.
Other names: short protein forms A3037S.
Identifiers: ClinVar variation 570173 (VCV000570173.9), dbSNP rs769817685, ClinGen allele CA391011110.